The following is an entry in ClinVar:

ClinVar aggregate classification (germline): Likely pathogenic (1 of 4 stars; one submission).

Conditions:
Glycogen storage disease type III (GSD3). Also called: FORBES DISEASE; Cori disease. Identifiers: Orphanet 366, MedGen C0017922, MONDO:0009291, OMIM 232400.

Submission:

Labcorp Genetics (formerly Invitae), Labcorp
Classification: Likely pathogenic for Glycogen storage disease type III. Last evaluated: 2021-08-15. Review status: criteria provided, single submitter. Criteria: Invitae Variant Classification Sherloc (09022015). Collection method: clinical testing. Allele origin: germline.
Comment: Algorithms developed to predict the effect of sequence changes on RNA splicing suggest that this variant may disrupt the consensus splice site. In summary, the currently available evidence indicates that the variant is pathogenic, but additional data are needed to prove that conclusively. Therefore, this variant has been classified as Likely Pathogenic. This variant has not been reported in the literature in individuals affected with AGL-related conditions. This variant is not present in population databases (ExAC no frequency). This sequence change affects an acceptor splice site in intron 32 of the AGL gene. It is expected to disrupt RNA splicing. Variants that disrupt the donor or acceptor splice site typically lead to a loss of protein function (PMID: 16199547), and loss-of-function variants in AGL are known to be pathogenic (PMID: 19299494).

Literature cited by the submitters: PubMed 16199547; PubMed 19299494.

NM_000642.3(AGL):c.4348-2A>T

Gene: AGL (amylo-alpha-1,6-glucosidase and 4-alpha-glucanotransferase; plus strand). Cytogenetic location: 1p21.2.
Variant type: single nucleotide variant.
Coding change: c.4348-2A>T on transcript NM_000642.3 (MANE Select); the canonical splice acceptor site of the intron before coding-DNA position 4348, A replaced by T.
Molecular consequence: splice acceptor variant.
Genome position (GRCh38, 1-based): chr1:99,916,596, A>T. VCF-style: chr1-99916596-A-T. GRCh37 (hg19) VCF-style: chr1-100382152-A-T.
Other names: c.4348-2A>T (NM_000643.3, NM_000644.3, NM_001425325.1 and 1 more transcripts); c.4300-2A>T (NM_000646.3); c.4327-2A>T (NM_001425326.1); c.4147-2A>T (NM_001425327.1); c.4144-2A>T (NM_001425328.1); c.4009-2A>T (NM_001425329.1); c.3970-2A>T (NM_001425332.1).
Identifiers: ClinVar variation 1513509 (VCV001513509.6), dbSNP rs1353062665, ClinGen allele CA341342384.